The following is an entry in ClinVar:

NM_000051.4(ATM):c.8418+571A>T

Genes: ATM (ATM serine/threonine kinase; plus strand), C11orf65 (chromosome 11 open reading frame 65; minus strand). Cytogenetic location: 11q22.3.
Variant type: single nucleotide variant.
Coding change: c.8418+571A>T on transcript NM_000051.4 (MANE Select); 571 bases into the intron after coding-DNA position 8418, A replaced by T.
Molecular consequence: intron variant.
Genome position (GRCh38, 1-based): chr11:108,343,942, A>T. VCF-style: chr11-108343942-A-T. GRCh37 (hg19) VCF-style: chr11-108214669-A-T.
Other names: c.8418+571A>T (NM_001351834.2); c.641-34871T>A (NM_001330368.2); c.695-8650T>A (NM_001351110.2).
Identifiers: ClinVar variation 3131079 (VCV003131079.2), dbSNP rs2547427360, ClinGen allele CA2825001977.

ClinVar aggregate classification (germline): Uncertain significance (1 of 4 stars; one submission).

Conditions:
Hereditary cancer-predisposing syndrome. Also called: Tumor predisposition; Hereditary Cancer Syndrome; Hereditary neoplastic syndrome; Neoplastic Syndromes, Hereditary. Identifiers: Orphanet 140162, MedGen C0027672, MeSH D009386, MONDO:0015356.

Submission:

Ambry Genetics
Classification: Uncertain significance for Hereditary cancer-predisposing syndrome. Last evaluated: 2025-01-22. Review status: criteria provided, single submitter. Criteria: Ambry Variant Classification Scheme 2023. Collection method: clinical testing. Allele origin: germline.
Comment: The c.8418+571A>T intronic alteration consists of a A to T substitution 71 nucleotides after coding exon 56 in the ATM gene. Based on insufficient or conflicting evidence, the clinical significance of this alteration remains unclear.